The following is an entry in ClinVar:

NM_018426.3(TMEM63B):c.2088CTT[1] (p.Phe698del)

Gene: TMEM63B (transmembrane protein 63B; plus strand). Cytogenetic location: 6p21.1.
Variant type: Microsatellite.
Coding change: c.2088CTT[1] on transcript NM_018426.3 (MANE Select); one copy of the 3-base unit CTT starting at c.2088; the reference has two copies in a row; one copy, 3 bases deleted.
Protein change: p.Phe698del; deletes phenylalanine 698.
Molecular consequence: inframe deletion.
Genome position (GRCh38, 1-based): chr6:44,153,824-44,153,826, CTT deleted; deleting any 3 consecutive bases within chr6:44,153,820-44,153,826 gives the same sequence; the position shown is the placement nearest the transcript's 3' end. VCF-style (leftmost placement, unchanged base first): chr6-44153819-CTCT-C. GRCh37 (hg19) VCF-style: chr6-44121556-CTCT-C.
Other names: c.2088CTT[1], p.Phe698del (NM_001318792.1); short protein forms F698del.
Identifiers: ClinVar variation 4076771 (VCV004076771.1).

ClinVar aggregate classification (germline): Uncertain significance (1 of 4 stars; one submission).

Submission:

GeneDx
Classification: Uncertain significance. Last evaluated: 2025-02-20. Review status: criteria provided, single submitter. Criteria: GeneDx Variant Classification Process June 2021. Collection method: clinical testing. Allele origin: germline. Affected: yes.
Comment: In-frame deletion of 1 amino acid(s) in a non-repeat region; Not observed at significant frequency in large population cohorts (gnomAD); In silico analysis supports a deleterious effect on protein structure/function; Has not been previously published as pathogenic or benign to our knowledge